The following is an entry in ClinVar:

ClinVar aggregate classification (germline): Uncertain significance (1 of 4 stars; one submission).

gnomAD v4.1: 2 of 1,399,232 alleles (0.00014%); highest among the groups gnomAD compares: Non-Finnish European, 0.00019%; no homozygotes.

Submission:

GeneDx
Classification: Uncertain significance. Last evaluated: 2025-06-08. Review status: criteria provided, single submitter. Criteria: GeneDx Variant Classification Process June 2021. Collection method: clinical testing. Allele origin: germline. Affected: yes.
Comment: Not observed at significant frequency in large population cohorts (gnomAD); In silico analysis suggests that this missense variant does not alter protein structure/function; Has not been previously published as pathogenic or benign to our knowledge

NM_032188.3(KAT8):c.98G>C (p.Gly33Ala)

Gene: KAT8 (lysine acetyltransferase 8; plus strand). Cytogenetic location: 16p11.2.
Variant type: single nucleotide variant.
Coding change: c.98G>C on transcript NM_032188.3 (MANE Select); coding-DNA position 98, G replaced by C.
Protein change: p.Gly33Ala; replaces glycine 33 with alanine.
Molecular consequence: missense variant.
Genome position (GRCh38, 1-based): chr16:31,117,779, G>C. VCF-style: chr16-31117779-G-C. GRCh37 (hg19) VCF-style: chr16-31129100-G-C.
Other names: c.98G>C, p.Gly33Ala (NM_182958.4); short protein forms G33A.
Identifiers: ClinVar variation 4536215 (VCV004536215.1).